The following is an entry in ClinVar:

ClinVar aggregate classification (germline): Conflicting classifications of pathogenicity. Review status: criteria provided, conflicting classifications (1 of 4 stars). 14 submissions from 13 submitters: Uncertain significance (9); Likely benign (3). 2 of the submissions do not count toward it. Last evaluated 2026-02-10.

Conditions:
SOS1-related disorder. Also called: SOS1-related condition.
Cardiovascular phenotype. Identifiers: MedGen CN230736.
RASopathy. Also called: rasopathies; Noonan spectrum disorder. Identifiers: Orphanet 536391, MedGen C5555857, MONDO:0021060.
Noonan syndrome 4 (NS4). Also called: SOS1-Related Noonan Syndrome; NOONAN SYNDROME WITH PIGMENTED VILLONODULAR SYNOVITIS. Identifiers: Orphanet 648, MedGen C1853120, MONDO:0012547, OMIM 610733.
Fibromatosis, gingival, 1 (GINGF1). Identifiers: Orphanet 2024, MedGen C4551558, MONDO:0007609, OMIM 135300.

Allele frequency attached by ClinVar (database versions not stated): ExAC 0.00003; gnomAD exomes 0.00003 and 0.00008; TOPMed 0.00004; gnomAD 0.00006.
gnomAD v4.1: 129 of 1,613,566 alleles (0.008%); highest among the groups gnomAD compares: Non-Finnish European, 0.011%; no homozygotes.

Submissions (14):

PreventionGenetics, part of Exact Sciences
Classification: Uncertain significance for SOS1-related condition. Last evaluated: 2026-02-10. Review status: criteria provided, single submitter. Criteria: ACMG Guidelines, 2015. Collection method: clinical testing. Allele origin: germline.
Comment: The SOS1 c.3769A>G variant is predicted to result in the amino acid substitution p.Thr1257Ala. This variant has been reported as uncertain in an individual with known or suspected Noonan syndrome (Lepri et al. 2011. PubMed ID: 21387466). This variant is reported in 0.0093% of alleles in individuals of European (Non-Finnish) descent in gnomAD and has conflicting interpretations regarding its pathogenicity in ClinVar, ranging from likely benign to uncertain (Variation ID: 195761). At this time, the clinical significance of this variant is uncertain due to the absence of conclusive functional and genetic evidence.

Labcorp Genetics (formerly Invitae), Labcorp
Classification: Likely benign for RASopathy. Last evaluated: 2025-08-06. Review status: criteria provided, single submitter. Criteria: Invitae Variant Classification Sherloc (09022015). Collection method: clinical testing. Allele origin: germline.

Laboratory of Genetics, Children's Clinical University Hospital Latvia
Classification: Likely benign. Last evaluated: 2025-02-16. Review status: criteria provided, single submitter. Criteria: ACMG Guidelines, 2015. Collection method: clinical testing. Allele origin: germline. Affected: yes.

Blueprint Genetics
Classification: Likely benign. Last evaluated: 2024-10-03. Review status: criteria provided, single submitter. Criteria: ACMG Guidelines, 2015. Collection method: clinical testing. Allele origin: germline.

Ambry Genetics
Classification: Uncertain significance for Cardiovascular phenotype. Last evaluated: 2024-07-29. Review status: criteria provided, single submitter. Criteria: Ambry Variant Classification Scheme 2023. Collection method: clinical testing. Allele origin: germline.
Comment: The p.T1257A variant (also known as c.3769A>G), located in coding exon 23 of the SOS1 gene, results from an A to G substitution at nucleotide position 3769. The threonine at codon 1257 is replaced by alanine, an amino acid with similar properties. This variant has been reported in a cohort with Noonan syndrome or related features; however, clinical detail was limited (Lepri F et al. Hum. Mutat., 2011 Jul;32:760-72). This amino acid position is well conserved in available vertebrate species. In addition, this alteration is predicted to be tolerated by in silico analysis. Since supporting evidence is limited at this time, the clinical significance of this alteration remains unclear.

GeneDx
Classification: Uncertain significance. Last evaluated: 2022-11-11. Review status: criteria provided, single submitter. Criteria: GeneDx Variant Classification Process June 2021. Collection method: clinical testing. Allele origin: germline. Affected: yes.
Comment: Missense variants in this gene are often considered pathogenic (HGMD); In silico analysis supports that this missense variant does not alter protein structure/function; Previously reported as a variant of uncertain significance in an individual with known or suspected Noonan syndrome (Lepri et al., 2011).; This variant is associated with the following publications: (PMID: 23891399, 29493581, 21387466)

Mayo Clinic Laboratories, Mayo Clinic
Classification: Uncertain significance. Last evaluated: 2021-10-21. Review status: criteria provided, single submitter. Criteria: ACMG Guidelines, 2015. Collection method: clinical testing. Allele origin: germline.

Fulgent Genetics
Classification: Uncertain significance for Fibromatosis, gingival, 1; Noonan syndrome 4. Last evaluated: 2021-07-13. Review status: criteria provided, single submitter. Criteria: ACMG Guidelines, 2015. Collection method: clinical testing. Allele origin: unknown.

CeGaT Center for Human Genetics Tuebingen
Classification: Uncertain significance. Last evaluated: 2019-07-01. Review status: criteria provided, single submitter. Criteria: CeGaT Center For Human Genetics Tuebingen Variant Classification Criteria Version 2. Collection method: clinical testing. Allele origin: germline. Affected: yes. Observed: 1 variant allele.

Eurofins Ntd Llc (ga)
Classification: Uncertain significance. Last evaluated: 2015-02-17. Review status: criteria provided, single submitter. Criteria: EGL Classification Definitions 2015. Collection method: clinical testing. Allele origin: germline. Observed: 1 variant allele, 1 heterozygote.

Genome-Nilou Lab
Classification: Uncertain significance for Noonan syndrome 4. Review status: criteria provided, single submitter. Criteria: ACMG Guidelines, 2015. Collection method: clinical testing. Allele origin: germline.

Genome-Nilou Lab
Classification: Uncertain significance for Fibromatosis, gingival, 1. Review status: criteria provided, single submitter. Criteria: ACMG Guidelines, 2015. Collection method: clinical testing. Allele origin: germline.

Diagnostic Laboratory, Department of Genetics, University Medical Center Groningen
Classification: Likely benign. Review status: no assertion criteria provided. Collection method: clinical testing. Allele origin: germline. Affected: yes. Study: VKGL Data-share Consensus. Not counted in ClinVar's aggregate classification.

Joint Genome Diagnostic Labs from Nijmegen and Maastricht, Radboudumc and MUMC+
Classification: Likely benign. Review status: no assertion criteria provided. Collection method: clinical testing. Allele origin: germline. Affected: yes. Study: VKGL Data-share Consensus. Not counted in ClinVar's aggregate classification.

Literature cited by the submitters: PubMed 21387466 (cited by Ambry Genetics and Eurofins Ntd Llc (ga)).

NM_005633.4(SOS1):c.3769A>G (p.Thr1257Ala)

Gene: SOS1 (SOS Ras/Rac guanine nucleotide exchange factor 1; minus strand). Cytogenetic location: 2p22.1.
Variant type: single nucleotide variant.
Coding change: c.3769A>G on transcript NM_005633.4 (MANE Select); coding-DNA position 3769, A replaced by G.
Protein change: p.Thr1257Ala; replaces threonine 1257 with alanine.
Molecular consequence: missense variant.
Genome position (GRCh38, 1-based): chr2:38,986,057, T>C on the plus strand (A>G on the coding strand, the complement: SOS1 is on the minus strand). VCF-style: chr2-38986057-T-C. GRCh37 (hg19) VCF-style: chr2-39213198-T-C.
Other names: c.3748A>G, p.Thr1250Ala (NM_001382394.1); c.3724A>G, p.Thr1242Ala (NM_001382395.1); short protein forms T1257A, T1242A, T1250A.
Identifiers: ClinVar variation 195761 (VCV000195761.66), dbSNP rs553805862, ClinGen allele CA242343.
Genomic context (GRCh38, chr2:38,986,057, plus strand): 5'-GTGGTGATGGCAGATGCCTTCTTGTGCCGTGAGGAGAAGGTGTTTGAGGAGGAGGTGGTG[T>C]AAAGGGGGAAGGGCTGTTTGGGAAGAAGGCATTGCCATGGTCACTTTTTTTGCCCAAAGG-3'
Protein context (NP_005624.2, residues 1247-1267): AFFPNSPSPF[Thr1257Ala]PPPPQTPSPH